The following is an entry in ClinVar:

NM_001197104.2(KMT2A):c.8180C>T (p.Thr2727Ile)

Gene: KMT2A (lysine methyltransferase 2A; plus strand). Cytogenetic location: 11q23.3.
Variant type: single nucleotide variant.
Coding change: c.8180C>T on transcript NM_001197104.2 (MANE Select); coding-DNA position 8180, C replaced by T.
Protein change: p.Thr2727Ile; replaces threonine 2727 with isoleucine.
Molecular consequence: missense variant.
Genome position (GRCh38, 1-based): chr11:118,504,072, C>T. VCF-style: chr11-118504072-C-T. GRCh37 (hg19) VCF-style: chr11-118374787-C-T.
Other names: c.8270C>T, p.Thr2757Ile (NM_001412597.1); c.8171C>T, p.Thr2724Ile (NM_005933.4); short protein forms T2724I, T2727I, T2757I.
Identifiers: ClinVar variation 3366520 (VCV003366520.1).
Genomic context (GRCh38, chr11:118,504,072, plus strand): 5'-GGGAGGAGGAACAGTGTGATCTTCCAAAAATCTCACAGTTGGATGGTGTTGATGATGGGA[C>T]AGAGAGTGATACTAGTGTCACAGCCACAACAAGGAAAAGCAGCCAGATTCCAAAAAGAAA-3'
Protein context (NP_001184033.1, residues 2717-2737): ISQLDGVDDG[Thr2727Ile]ESDTSVTATT

ClinVar aggregate classification (germline): Uncertain significance (1 of 4 stars; one submission).

Submission:

Women's Health and Genetics/Laboratory Corporation of America, LabCorp
Classification: Uncertain significance. Last evaluated: 2024-08-02. Review status: criteria provided, single submitter. Criteria: LabCorp Variant Classification Summary - May 2015. Collection method: clinical testing. Allele origin: germline.
Comment: Variant summary: KMT2A c.8180C>T (p.Thr2727Ile) results in a non-conservative amino acid change in the encoded protein sequence. Five of five in-silico tools predict a damaging effect of the variant on protein function. The variant was absent in 251350 control chromosomes (gnomAD). The available data on variant occurrences in the general population are insufficient to allow any conclusion about variant significance. To our knowledge, no occurrence of c.8180C>T in individuals affected with Wiedemann-Steiner Syndrome and no experimental evidence demonstrating its impact on protein function have been reported. No submitters have cited clinical-significance assessments for this variant to ClinVar. Based on the evidence outlined above, the variant was classified as uncertain significance.